The following is an entry in ClinVar:

NM_181789.4(GLDN):c.762A>G (p.Gly254=)

Gene: GLDN (gliomedin; plus strand). Cytogenetic location: 15q21.2.
Variant type: single nucleotide variant.
Coding change: c.762A>G on transcript NM_181789.4 (MANE Select); coding-DNA position 762, A replaced by G.
Protein change: p.Gly254=; no amino-acid change (glycine 254 retained).
Molecular consequence: synonymous variant.
Genome position (GRCh38, 1-based): chr15:51,397,543, A>G. VCF-style: chr15-51397543-A-G. GRCh37 (hg19) VCF-style: chr15-51689740-A-G.
Other names: c.390A>G, p.Gly130= (NM_001330297.2).
Identifiers: ClinVar variation 3029867 (VCV003029867.2), dbSNP rs749505021, ClinGen allele CA7560526.

ClinVar aggregate classification (germline): Likely benign (0 of 4 stars; one submission).

Conditions:
GLDN-related disorder. Also called: GLDN-related condition.

Allele frequency attached by ClinVar (database versions not stated): gnomAD exomes below 0.00001; ExAC 0.00001.
gnomAD v4.1: 1 of 1,602,280 alleles (0.000062%); highest among the groups gnomAD compares: Non-Finnish European, 0.000085%; no homozygotes.

Submission:

PreventionGenetics, part of Exact Sciences
Classification: Likely benign for GLDN-related condition. Last evaluated: 2022-09-02. Review status: no assertion criteria provided. Collection method: clinical testing. Allele origin: germline.
Comment: This variant is classified as likely benign based on ACMG/AMP sequence variant interpretation guidelines (Richards et al. 2015 PMID: 25741868, with internal and published modifications).